The following is an entry in ClinVar:

NM_006073.4(TRDN):c.128C>T (p.Thr43Met)

Gene: TRDN (triadin; minus strand). Cytogenetic location: 6q22.31.
Variant type: single nucleotide variant.
Coding change: c.128C>T on transcript NM_006073.4 (MANE Select); coding-DNA position 128, C replaced by T.
Protein change: p.Thr43Met; replaces threonine 43 with methionine.
Molecular consequence: missense variant.
Genome position (GRCh38, 1-based): chr6:123,571,027, G>A on the plus strand (C>T on the coding strand, the complement: TRDN is on the minus strand). VCF-style: chr6-123571027-G-A. GRCh37 (hg19) VCF-style: chr6-123892172-G-A.
Other names: c.128C>T, p.Thr43Met (NM_001251987.2, NM_001256020.2, NM_001256021.2 and 1 more transcripts); c.128C>T (NM_006073.2); short protein forms T43M.
Identifiers: ClinVar variation 1368822 (VCV001368822.7), dbSNP rs748832633, ClinGen allele CA3984463.
Genomic context (GRCh38, chr6:123,571,027, plus strand): 5'-ACAGCTGACCACGTGATTATCAGGGCAATGACCAGAAGCCAGGCTGCAGGGGAGCTGAAC[G>A]TCGTCACTATGTCTTCTGTGACTGTCCTCTTCAGCACTTTTCCGGGGGATTTGGGCACAG-3'
Protein context (NP_006064.2, residues 33-53): KRTVTEDIVT[Thr43Met]FSSPAAWLLV

ClinVar aggregate classification (germline): Uncertain significance. Review status: criteria provided, multiple submitters, no conflicts (2 of 4 stars). 2 submissions from 2 submitters: Uncertain significance (2). Last evaluated 2025-12-22.

Conditions:
Cardiovascular phenotype. Identifiers: MedGen CN230736.
Catecholaminergic polymorphic ventricular tachycardia 1. Also called: RYR2-Related Catecholaminergic Polymorphic Ventricular Tachycardia; VENTRICULAR TACHYCARDIA, CATECHOLAMINERGIC POLYMORPHIC, 1, WITH OR WITHOUT ATRIAL DYSFUNCTION AND/OR DILATED CARDIOMYOPATHY; VENTRICULAR TACHYCARDIA, STRESS-INDUCED POLYMORPHIC 1. Identifiers: Orphanet 3286, MedGen C1631597, MONDO:0011484, OMIM 604772.

Allele frequency attached by ClinVar (database versions not stated): gnomAD 0.00001; TOPMed 0.00001; gnomAD exomes 0.00002 and 0.00004; ExAC 0.00006.
gnomAD v4.1: 37 of 1,613,858 alleles (0.0023%); highest among the groups gnomAD compares: South Asian, 0.026%; no homozygotes.

Submissions (2):

Ambry Genetics
Classification: Uncertain significance for Cardiovascular phenotype. Last evaluated: 2025-12-22. Review status: criteria provided, single submitter. Criteria: Ambry Variant Classification Scheme 2023. Collection method: clinical testing. Allele origin: germline.
Comment: The p.T43M variant (also known as c.128C>T), located in coding exon 2 of the TRDN gene, results from a C to T substitution at nucleotide position 128. The threonine at codon 43 is replaced by methionine, an amino acid with similar properties. This amino acid position is highly conserved in available vertebrate species. In addition, this alteration is predicted to be deleterious by in silico analysis. Based on the available evidence, the clinical significance of this variant remains unclear.

Labcorp Genetics (formerly Invitae), Labcorp
Classification: Uncertain significance for Catecholaminergic polymorphic ventricular tachycardia 1. Last evaluated: 2021-08-14. Review status: criteria provided, single submitter. Criteria: Invitae Variant Classification Sherloc (09022015). Collection method: clinical testing. Allele origin: germline.
Comment: This sequence change replaces threonine with methionine at codon 43 of the TRDN protein (p.Thr43Met). The threonine residue is moderately conserved and there is a moderate physicochemical difference between threonine and methionine. This variant is present in population databases (rs748832633, ExAC 0.02%). This variant has not been reported in the literature in individuals affected with TRDN-related conditions. Algorithms developed to predict the effect of missense changes on protein structure and function are either unavailable or do not agree on the potential impact of this missense change (SIFT: "Deleterious"; PolyPhen-2: "Not Available"; Align-GVGD: "Class C0"). In summary, the available evidence is currently insufficient to determine the role of this variant in disease. Therefore, it has been classified as a Variant of Uncertain Significance.